The following is an entry in ClinVar:

NM_020964.3(EPG5):c.3493A>C (p.Ile1165Leu)

Gene: EPG5 (ectopic P-granules 5 autophagy tethering factor; minus strand). Cytogenetic location: 18q21.1.
Variant type: single nucleotide variant.
Coding change: c.3493A>C on transcript NM_020964.3 (MANE Select); coding-DNA position 3493, A replaced by C.
Protein change: p.Ile1165Leu; replaces isoleucine 1165 with leucine.
Molecular consequence: missense variant.
Genome position (GRCh38, 1-based): chr18:45,916,098, T>G on the plus strand (A>C on the coding strand, the complement: EPG5 is on the minus strand). VCF-style: chr18-45916098-T-G. GRCh37 (hg19) VCF-style: chr18-43496063-T-G.
Other names: c.3493A>C, p.Ile1165Leu (NM_001410858.1, NM_001410859.1); short protein forms I1165L.
Identifiers: ClinVar variation 2188790 (VCV002188790.1), dbSNP rs61744077, ClinGen allele CA8949155.
Genomic context (GRCh38, chr18:45,916,098, plus strand): 5'-TGCAGTCTTCCTGCATCAGCTGAAAAGCTGCTTTACACAAGTGGTCCATGAGGAAGAGGA[T>G]AGGTTGTTCTCGGTACCAGAGATGCTGGCTTATGAGAGCCTGAACCCAGAACTCCAACAC-3'
Protein context (NP_066015.2, residues 1155-1175): SQHLWYREQP[Ile1165Leu]LFLMDHLCKA

ClinVar aggregate classification (germline): Uncertain significance (1 of 4 stars; one submission).

Conditions:
Vici syndrome (VICIS). Identifiers: Orphanet 1493, MedGen C1855772, MONDO:0009452, OMIM 242840.

gnomAD v4.1: 43 of 1,613,970 alleles (0.0027%); highest among the groups gnomAD compares: Non-Finnish European, 0.0036%; no homozygotes.

Submission:

Labcorp Genetics (formerly Invitae), Labcorp
Classification: Uncertain significance for Vici syndrome. Last evaluated: 2022-10-26. Review status: criteria provided, single submitter. Criteria: Invitae Variant Classification Sherloc (09022015). Collection method: clinical testing. Allele origin: germline.
Comment: This sequence change replaces isoleucine, which is neutral and non-polar, with leucine, which is neutral and non-polar, at codon 1165 of the EPG5 protein (p.Ile1165Leu). This variant is present in population databases (rs61744077, gnomAD 0.003%). This variant has not been reported in the literature in individuals affected with EPG5-related conditions. Advanced modeling of protein sequence and biophysical properties (such as structural, functional, and spatial information, amino acid conservation, physicochemical variation, residue mobility, and thermodynamic stability) performed at Invitae indicates that this missense variant is not expected to disrupt EPG5 protein function. In summary, the available evidence is currently insufficient to determine the role of this variant in disease. Therefore, it has been classified as a Variant of Uncertain Significance.